The following is an entry in ClinVar:

ClinVar aggregate classification (germline): Likely benign. Review status: criteria provided, single submitter (1 of 4 stars). 2 submissions from 2 submitters: Likely benign (1). 1 of the submissions does not count toward it. Last evaluated 2025-09-29.

Conditions:
MRTFA-related disorder. Also called: MRTFA-related condition.

Allele frequency attached by ClinVar (database versions not stated): ExAC 0.00001; gnomAD exomes 0.00001 and 0.00003; gnomAD 0.00009 and 0.00010; TOPMed 0.00017.
gnomAD v4.1: 32 of 1,529,518 alleles (0.0021%); highest among the groups gnomAD compares: African/African-American, 0.033%; no homozygotes.

Submissions (2):

Labcorp Genetics (formerly Invitae), Labcorp
Classification: Likely benign. Last evaluated: 2025-09-29. Review status: criteria provided, single submitter. Criteria: Invitae Variant Classification Sherloc (09022015). Collection method: clinical testing. Allele origin: germline.

PreventionGenetics, part of Exact Sciences
Classification: Likely benign for MRTFA-related condition. Last evaluated: 2019-08-21. Review status: no assertion criteria provided. Collection method: clinical testing. Allele origin: germline. Not counted in ClinVar's aggregate classification.
Comment: This variant is classified as likely benign based on ACMG/AMP sequence variant interpretation guidelines (Richards et al. 2015 PMID: 25741868, with internal and published modifications).

NM_020831.6(MRTFA):c.2094C>T (p.Asn698=)

Gene: MRTFA (myocardin related transcription factor A; minus strand). Cytogenetic location: 22q13.1.
Variant type: single nucleotide variant.
Coding change: c.2094C>T on transcript NM_020831.6 (MANE Select); coding-DNA position 2094, C replaced by T.
Protein change: p.Asn698=; no amino-acid change (asparagine 698 retained).
Molecular consequence: synonymous variant.
Genome position (GRCh38, 1-based): chr22:40,418,644, G>A on the plus strand (C>T on the coding strand, the complement: MRTFA is on the minus strand). VCF-style: chr22-40418644-G-A. GRCh37 (hg19) VCF-style: chr22-40814648-G-A.
Other names: c.1794C>T (NM_020831.4); c.1794C>T, p.Asn598= (NM_001282660.2); c.1944C>T, p.Asn648= (NM_001282661.3); c.2094C>T, p.Asn698= (NM_001282662.3); c.1899C>T, p.Asn633= (NM_001318139.2).
Identifiers: ClinVar variation 1682996 (VCV001682996.10), dbSNP rs760322885, ClinGen allele CA10249450.